The following is an entry in ClinVar:

NM_175914.5(HNF4A):c.-12G>A

Gene: HNF4A (hepatocyte nuclear factor 4 alpha; plus strand). Cytogenetic location: 20q13.12.
Variant type: single nucleotide variant.
Coding change: c.-12G>A on transcript NM_175914.5 (MANE Select); 12 bases upstream of the start codon, G replaced by A.
Molecular consequence: 5 prime UTR variant.
Genome position (GRCh38, 1-based): chr20:44,355,793, G>A. VCF-style: chr20-44355793-G-A. GRCh37 (hg19) VCF-style: chr20-42984433-G-A.
Other names: NM_175914.5:c.-12G>A; c.-12G>A (NM_001030003.3, NM_001030004.3); c.-243G>A (NM_001287182.2, NM_001287183.2, NM_001287184.2).
Identifiers: ClinVar variation 4071501 (VCV004071501.2).
Genomic context (GRCh38, chr20:44,355,793, plus strand): 5'-TGGCTGTGCTGCTGCTGTGAGCGGGCCCCTGCTCCTCCATGCCCCCAGCTCTCCGGCTGG[G>A]TGGGCTTGGCCATGGTCAGCGTGAACGCGCCCCTCGGGGCTCCAGTGGAGAGTTCTTACG-3'

ClinVar aggregate classification (germline): Likely pathogenic. Review status: reviewed by expert panel (3 of 4 stars). 2 submissions from 2 submitters: Likely pathogenic (1). 1 of the submissions does not count toward it. Last evaluated 2025-07-25.

Conditions:
Monogenic diabetes. Identifiers: Orphanet 183625, MedGen C3888631, MONDO:0015967.

gnomAD v4.1: 21 of 1,613,536 alleles (0.0013%); highest among the groups gnomAD compares: Non-Finnish European, 0.0016%; no homozygotes.

Submissions (2):

ClinGen Monogenic Diabetes Variant Curation Expert Panel
Classification: Likely pathogenic for Monogenic diabetes. Last evaluated: 2025-07-25. Review status: reviewed by expert panel. Criteria: ClinGen Diabetes ACMG Specifications HNF4A V3.0.0. Collection method: curation. Allele origin: germline. Inheritance: Autosomal dominant inheritance.
Comment: The c.-12G>A variant in the hepatocyte nuclear factor 4-alpha gene, HNF4A, is a single nucleotide variant within the 5' UTR of NM_175914.5. The Grpmax filtering allele frequency of the c.-12G>A variant in gnomAD v4.1.0 is 0.00001030, which falls between ClinGen MDEP-established cutoffs for PM2_Supporting and BS1; thus, neither criterion will be applied. This variant was identified in 11 unrelated individuals with non-autoimmune and non-absolute/near-absolute insulin-deficient diabetes; however, PS4 cannot be applied because the variant MAF in gnomAD is above the ClinGen MDEP PM2_Supporting cutoff (internal lab contributors). Additionally, this variant segregated with diabetes with 8 informative meioses in 6 families (PP1_Strong; internal lab contributors). In summary, c.-12G>A meets the criteria to be classified as likely pathogenic for monogenic diabetes. ACMG/AMP criteria applied, as specified by the ClinGen MDEP VCEP (specification version 3.0.0; approved 6/30/2025): PP4_Moderate, PP1_Strong.

Blueprint Genetics
Classification: Uncertain significance. Last evaluated: 2023-11-03. Review status: criteria provided, single submitter. Criteria: ACMG Guidelines, 2015. Collection method: clinical testing. Allele origin: germline. Not counted in ClinVar's aggregate classification.